The following is an entry in ClinVar:

ClinVar aggregate classification (germline): Uncertain significance. Review status: criteria provided, multiple submitters, no conflicts (2 of 4 stars). 2 submissions from 2 submitters: Uncertain significance (2). Last evaluated 2026-07-04.

Conditions:
Cardiovascular phenotype. Identifiers: MedGen CN230736.
Hypertrophic cardiomyopathy. Also called: HYPERTROPHIC MYOCARDIOPATHY. Identifiers: Orphanet 217569, MedGen C0007194, MeSH D002312, MONDO:0005045, HP:0001639.

Submissions (2):

Ambry Genetics
Classification: Uncertain significance for Cardiovascular phenotype. Last evaluated: 2026-07-04. Review status: criteria provided, single submitter. Criteria: Ambry Variant Classification Scheme 2023. Collection method: clinical testing. Allele origin: germline.
Comment: The p.T174M variant (also known as c.521C>T), located in coding exon 2 of the JPH2 gene, results from a C to T substitution at nucleotide position 521. The threonine at codon 174 is replaced by methionine, an amino acid with similar properties. This amino acid position is conserved. In addition, this alteration is predicted to be tolerated by in silico analysis. Based on the available evidence, the clinical significance of this variant remains unclear.

Labcorp Genetics (formerly Invitae), Labcorp
Classification: Uncertain significance for Hypertrophic cardiomyopathy. Last evaluated: 2022-03-18. Review status: criteria provided, single submitter. Criteria: Invitae Variant Classification Sherloc (09022015). Collection method: clinical testing. Allele origin: germline.
Comment: This sequence change replaces threonine, which is neutral and polar, with methionine, which is neutral and non-polar, at codon 174 of the JPH2 protein (p.Thr174Met). This variant is not present in population databases (gnomAD no frequency). This variant has not been reported in the literature in individuals affected with JPH2-related conditions. Algorithms developed to predict the effect of missense changes on protein structure and function are either unavailable or do not agree on the potential impact of this missense change (SIFT: "Deleterious"; PolyPhen-2: "Probably Damaging"; Align-GVGD: "Class C15"). In summary, the available evidence is currently insufficient to determine the role of this variant in disease. Therefore, it has been classified as a Variant of Uncertain Significance.

NM_020433.5(JPH2):c.521C>T (p.Thr174Met)

Gene: JPH2 (junctophilin 2; minus strand). Cytogenetic location: 20q13.12.
Variant type: single nucleotide variant.
Coding change: c.521C>T on transcript NM_020433.5 (MANE Select); coding-DNA position 521, C replaced by T.
Protein change: p.Thr174Met; replaces threonine 174 with methionine.
Molecular consequence: missense variant.
Genome position (GRCh38, 1-based): chr20:44,160,266, G>A on the plus strand (C>T on the coding strand, the complement: JPH2 is on the minus strand). VCF-style: chr20-44160266-G-A. GRCh37 (hg19) VCF-style: chr20-42788906-G-A.
Other names: short protein forms T174M.
Identifiers: ClinVar variation 1965730 (VCV001965730.6), dbSNP rs1176695858, ClinGen allele CA409094216.